The following is an entry in ClinVar:

ClinVar aggregate classification (germline): Uncertain significance. Review status: criteria provided, single submitter (1 of 4 stars). 2 submissions from 2 submitters: Uncertain significance (1). 1 of the submissions does not count toward it. Last evaluated 2026-06-08.

Conditions:
ADAMTS2-related disorder. Also called: ADAMTS2-related condition.

Allele frequency attached by ClinVar (database versions not stated): TOPMed 0.00002; gnomAD 0.00001; gnomAD exomes 0.00002.
gnomAD v4.1: 17 of 1,131,654 alleles (0.0015%); highest among the groups gnomAD compares: Non-Finnish European, 0.0017%; no homozygotes.

Submissions (2):

Women's Health and Genetics/Laboratory Corporation of America, LabCorp
Classification: Uncertain significance. Last evaluated: 2026-06-08. Review status: criteria provided, single submitter. Criteria: LabCorp Variant Classification Summary - May 2015. Collection method: clinical testing. Allele origin: germline.

PreventionGenetics, part of Exact Sciences
Classification: Likely benign for ADAMTS2-related condition. Last evaluated: 2023-01-26. Review status: no assertion criteria provided. Collection method: clinical testing. Allele origin: germline. Not counted in ClinVar's aggregate classification.
Comment: This variant is classified as likely benign based on ACMG/AMP sequence variant interpretation guidelines (Richards et al. 2015 PMID: 25741868, with internal and published modifications).

NM_014244.5(ADAMTS2):c.-4T>A

Gene: ADAMTS2 (ADAM metallopeptidase with thrombospondin type 1 motif 2; minus strand). Cytogenetic location: 5q35.3.
Variant type: single nucleotide variant.
Coding change: c.-4T>A on transcript NM_014244.5 (MANE Select); 4 bases upstream of the start codon, T replaced by A.
Molecular consequence: 5 prime UTR variant.
Genome position (GRCh38, 1-based): chr5:179,345,332, A>T on the plus strand (T>A on the coding strand, the complement: ADAMTS2 is on the minus strand). VCF-style: chr5-179345332-A-T. GRCh37 (hg19) VCF-style: chr5-178772333-A-T.
Other names: c.-4T>A (NM_021599.4).
Identifiers: ClinVar variation 3046200 (VCV003046200.3), dbSNP rs949519564, ClinGen allele CA133087006.